The following is an entry in ClinVar:

ClinVar aggregate classification (germline): Uncertain significance (1 of 4 stars; one submission).

Conditions:
Leber congenital amaurosis 4 (LCA4). Identifiers: MedGen C1858386, MONDO:0011458, OMIM 604393.

gnomAD v4.1: 2 of 1,606,312 alleles (0.00012%); highest among the groups gnomAD compares: Admixed American, 0.0033%; no homozygotes.

Submission:

Labcorp Genetics (formerly Invitae), Labcorp
Classification: Uncertain significance for Leber congenital amaurosis 4. Last evaluated: 2022-08-31. Review status: criteria provided, single submitter. Criteria: Invitae Variant Classification Sherloc (09022015). Collection method: clinical testing. Allele origin: germline.
Comment: This sequence change replaces proline, which is neutral and non-polar, with threonine, which is neutral and polar, at codon 375 of the AIPL1 protein (p.Pro375Thr). This variant is not present in population databases (gnomAD no frequency). This variant has not been reported in the literature in individuals affected with AIPL1-related conditions. Algorithms developed to predict the effect of missense changes on protein structure and function are either unavailable or do not agree on the potential impact of this missense change (SIFT: "Tolerated"; PolyPhen-2: "Not Available"; Align-GVGD: "Class C0"). In summary, the available evidence is currently insufficient to determine the role of this variant in disease. Therefore, it has been classified as a Variant of Uncertain Significance.

NM_014336.5(AIPL1):c.1123C>A (p.Pro375Thr)

Gene: AIPL1 (AIP like 1 HSP90 co-chaperone; minus strand). Cytogenetic location: 17p13.2.
Variant type: single nucleotide variant.
Coding change: c.1123C>A on transcript NM_014336.5 (MANE Select); coding-DNA position 1123, C replaced by A.
Protein change: p.Pro375Thr; replaces proline 375 with threonine.
Molecular consequence: missense variant. On other transcripts: 3 prime UTR variant (1).
Genome position (GRCh38, 1-based): chr17:6,425,492, G>T on the plus strand (C>A on the coding strand, the complement: AIPL1 is on the minus strand). VCF-style: chr17-6425492-G-T. GRCh37 (hg19) VCF-style: chr17-6328812-G-T.
Other names: c.934C>A, p.Pro312Thr (NM_001033054.3); c.943C>A, p.Pro315Thr (NM_001033055.3); c.1087C>A, p.Pro363Thr (NM_001285399.3); c.1057C>A, p.Pro353Thr (NM_001285400.3); c.1051C>A, p.Pro351Thr (NM_001285401.3); c.1006C>A, p.Pro336Thr (NM_001285402.2); c.*1094C>A (NM_001285403.4); short protein forms P336T, P353T, P363T, P312T, P351T, P315T, P375T.
Identifiers: ClinVar variation 1916632 (VCV001916632.2), dbSNP rs1567634365, ClinGen allele CA397394220.